The following is an entry in ClinVar:

NM_002048.3(GAS1):c.976C>T (p.Pro326Ser)

Gene: GAS1 (growth arrest specific 1; minus strand). Cytogenetic location: 9q21.33.
Variant type: single nucleotide variant.
Coding change: c.976C>T on transcript NM_002048.3 (MANE Select); coding-DNA position 976, C replaced by T.
Protein change: p.Pro326Ser; replaces proline 326 with serine.
Molecular consequence: missense variant.
Genome position (GRCh38, 1-based): chr9:86,945,804, G>A on the plus strand (C>T on the coding strand, the complement: GAS1 is on the minus strand). VCF-style: chr9-86945804-G-A. GRCh37 (hg19) VCF-style: chr9-89560719-G-A.
Other names: short protein forms P326S.
Identifiers: ClinVar variation 1467320 (VCV001467320.6), dbSNP rs1457765003, ClinGen allele CA374015012.

ClinVar aggregate classification (germline): Uncertain significance (1 of 4 stars; one submission).

Allele frequency attached by ClinVar (database versions not stated): gnomAD 0.00001; gnomAD exomes 0.00001; TOPMed 0.00001.

Submission:

Labcorp Genetics (formerly Invitae), Labcorp
Classification: Uncertain significance. Last evaluated: 2024-10-29. Review status: criteria provided, single submitter. Criteria: Invitae Variant Classification Sherloc (09022015). Collection method: clinical testing. Allele origin: germline.
Comment: This sequence change replaces proline, which is neutral and non-polar, with serine, which is neutral and polar, at codon 326 of the GAS1 protein (p.Pro326Ser). This variant is present in population databases (no rsID available, gnomAD 0.005%). This variant has not been reported in the literature in individuals affected with GAS1-related conditions. ClinVar contains an entry for this variant (Variation ID: 1467320). Experimental studies and prediction algorithms are not available or were not evaluated, and the functional significance of this variant is currently unknown. In summary, the available evidence is currently insufficient to determine the role of this variant in disease. Therefore, it has been classified as a Variant of Uncertain Significance.